The following is an entry in ClinVar:

NM_014319.5(LEMD3):c.1877G>A (p.Arg626His)

Gene: LEMD3 (LEM domain containing 3; plus strand). Cytogenetic location: 12q14.3.
Variant type: single nucleotide variant.
Coding change: c.1877G>A on transcript NM_014319.5 (MANE Select); coding-DNA position 1877, G replaced by A.
Protein change: p.Arg626His; replaces arginine 626 with histidine.
Molecular consequence: missense variant.
Genome position (GRCh38, 1-based): chr12:65,238,770, G>A. VCF-style: chr12-65238770-G-A. GRCh37 (hg19) VCF-style: chr12-65632550-G-A.
Other names: c.1874G>A, p.Arg625His (NM_001167614.2); short protein forms R625H, R626H.
Identifiers: ClinVar variation 2818971 (VCV002818971.3), dbSNP rs751409394, ClinGen allele CA6671062.
Genomic context (GRCh38, chr12:65,238,770, plus strand): 5'-CTGATGTGCAGTTTTTACAGTCCACAAGACCACTGATGTCTTTTTGGTGTCGTTTTCGAC[G>A]TGCTTTTGTTACTGTAACTCACAGATTATTGTTGTTATGCTTAGGTAAGTTGTAAAGATA-3'
Protein context (NP_055134.2, residues 616-636): PLMSFWCRFR[Arg626His]AFVTVTHRLL

ClinVar aggregate classification (germline): Uncertain significance (1 of 4 stars; one submission).

Allele frequency attached by ClinVar (database versions not stated): ExAC 0.00001.
gnomAD v4.1: 5 of 1,614,002 alleles (0.00031%); highest among the groups gnomAD compares: African/African-American, 0.0013%; no homozygotes.

Submission:

Labcorp Genetics (formerly Invitae), Labcorp
Classification: Uncertain significance. Last evaluated: 2025-10-16. Review status: criteria provided, single submitter. Criteria: Invitae Variant Classification Sherloc (09022015). Collection method: clinical testing. Allele origin: germline.
Comment: This sequence change replaces arginine, which is basic and polar, with histidine, which is basic and polar, at codon 626 of the LEMD3 protein (p.Arg626His). This variant is present in population databases (rs751409394, gnomAD 0.0009%). This variant has not been reported in the literature in individuals affected with LEMD3-related conditions. ClinVar contains an entry for this variant (Variation ID: 2818971). Invitae Evidence Modeling of protein sequence and biophysical properties (such as structural, functional, and spatial information, amino acid conservation, physicochemical variation, residue mobility, and thermodynamic stability) has been performed for this missense variant. However, the output from this modeling did not meet the statistical confidence thresholds required to predict the impact of this variant on LEMD3 protein function. In summary, the available evidence is currently insufficient to determine the role of this variant in disease. Therefore, it has been classified as a Variant of Uncertain Significance.